The following is an entry in ClinVar:

NM_007294.4(BRCA1):c.671-215_901del

Gene: BRCA1 (BRCA1 DNA repair associated; minus strand). Cytogenetic location: 17q21.31.
Variant type: Deletion.
Coding change: c.671-215_901del on transcript NM_007294.4 (MANE Select); 215 bases into the intron before coding-DNA position 671 through coding-DNA position 901, 446 bases deleted.
Molecular consequence: splice acceptor variant. On other transcripts: splice donor variant (124), initiator codon variant (2), intron variant (13).
Genome position (GRCh38, 1-based): chr17:43,094,630-43,095,075, 446 bases deleted. GRCh37 (hg19): chr17:41,246,651-41,247,096.
Other names: c.530-215_646+114del (NM_001408458.1, NM_001408469.1, NM_001408453.1 and 11 more transcripts); c.-218-215_13del (NM_001407967.1, NM_001407966.1); c.290-215_520del (NM_001407959.1, NM_001407963.1, NM_001407960.1); c.404-215_634del (NM_001407931.1, NM_001407932.1, NM_001407934.1 and 2 more transcripts); c.527-215_757del (NM_001407747.1, NM_001407848.1, NM_001407839.1 and 20 more transcripts); c.287-215_517del (NM_001407962.1); c.167-215_283+114del (NM_001408512.1); c.290-215_406+114del (NM_001408510.1); and 40 more.
Identifiers: ClinVar variation 267615 (VCV000267615.18), dbSNP rs1555592870, ClinGen allele CA10602598.

ClinVar aggregate classification (germline): Pathogenic/Likely pathogenic. Review status: criteria provided, multiple submitters, no conflicts (2 of 4 stars). 2 submissions from 2 submitters: Pathogenic (1); Likely pathogenic (1). Last evaluated 2024-10-28.

Conditions:
Hereditary breast ovarian cancer syndrome. Also called: Hereditary breast and ovarian cancer syndrome (HBOC); Breast and ovarian cancer; Hereditary breast and ovarian cancer syndrome; Hereditary breast and ovarian cancer; BRCA1- and BRCA2-Associated Hereditary Breast and Ovarian Cancer; Hereditary breast and/or ovarian cancer syndrome. Identifiers: Orphanet 145, MedGen C0677776, MeSH D061325, MONDO:0003582. Disease mechanism: loss of function.
Breast-ovarian cancer, familial, susceptibility to, 1 (BROVCA1). Also called: BRCA1 Hereditary Breast and Ovarian Cancer; OVARIAN CANCER, SUSCEPTIBILITY TO. Identifiers: Orphanet 145, MedGen C2676676, MONDO:0011450, OMIM 604370. Disease mechanism: loss of function.

Submissions (2):

Labcorp Genetics (formerly Invitae), Labcorp
Classification: Likely pathogenic for Hereditary breast ovarian cancer syndrome. Last evaluated: 2024-10-28. Review status: criteria provided, single submitter. Criteria: Invitae Variant Classification Sherloc (09022015). Collection method: clinical testing. Allele origin: germline.
Comment: This variant results in the deletion of part of exon 10 (c.671-215_901del) of the BRCA1 gene. RNA analysis indicates that this variant induces altered splicing and may result in an absent or altered protein product. This variant has been observed in individual(s) with breast and/or ovarian cancer (PMID: 29446198). ClinVar contains an entry for this variant (Variation ID: 267615). Studies have shown that this variant results in skipping of exon 10 or part of exon 10, and produces a non-functional protein and/or introduces a premature termination codon (internal data). In summary, the currently available evidence indicates that the variant is pathogenic, but additional data are needed to prove that conclusively. Therefore, this variant has been classified as Likely Pathogenic.

Consortium of Investigators of Modifiers of BRCA1/2 (CIMBA), c/o University of Cambridge
Classification: Pathogenic for Breast-ovarian cancer, familial, susceptibility to, 1. Last evaluated: 2015-10-02. Review status: criteria provided, single submitter. Criteria: CIMBA Mutation Classification guidelines May 2016. Collection method: clinical testing. Allele origin: germline.

Literature cited by the submitters: PubMed 29446198 (cited by Labcorp Genetics (formerly Invitae), Labcorp).